The following is an entry in ClinVar:

NM_001211.6(BUB1B):c.2820G>C (p.Lys940Asn)

Genes: BUB1B (BUB1 mitotic checkpoint serine/threonine kinase B; plus strand), BUB1B-PAK6 (BUB1B-PAK6 readthrough; plus strand). Cytogenetic location: 15q15.1.
Variant type: single nucleotide variant.
Coding change: c.2820G>C on transcript NM_001211.6 (MANE Select); coding-DNA position 2820, G replaced by C.
Protein change: p.Lys940Asn; replaces lysine 940 with asparagine.
Molecular consequence: missense variant. On other transcripts: 5 prime UTR variant (2).
Genome position (GRCh38, 1-based): chr15:40,217,637, G>C. VCF-style: chr15-40217637-G-C. GRCh37 (hg19) VCF-style: chr15-40509838-G-C.
Other names: c.-231G>C (NM_001128628.3); c.-148G>C (NM_001128629.3); short protein forms K940N.
Identifiers: ClinVar variation 1966674 (VCV001966674.5), dbSNP rs749583931, ClinGen allele CA391688095.

ClinVar aggregate classification (germline): Uncertain significance (1 of 4 stars; one submission).

Conditions:
Mosaic variegated aneuploidy syndrome 1 (MVA1). Also called: Warburton-Anyane-Yeboa syndrome. Identifiers: Orphanet 1052, MedGen C1850343, MONDO:0009759, OMIM 257300.

Submission:

Labcorp Genetics (formerly Invitae), Labcorp
Classification: Uncertain significance for Mosaic variegated aneuploidy syndrome 1. Last evaluated: 2022-03-27. Review status: criteria provided, single submitter. Criteria: Invitae Variant Classification Sherloc (09022015). Collection method: clinical testing. Allele origin: germline.
Comment: In summary, the available evidence is currently insufficient to determine the role of this variant in disease. Therefore, it has been classified as a Variant of Uncertain Significance. Algorithms developed to predict the effect of missense changes on protein structure and function are either unavailable or do not agree on the potential impact of this missense change (SIFT: "Deleterious"; PolyPhen-2: "Possibly Damaging"; Align-GVGD: "Class C0"). This variant has not been reported in the literature in individuals affected with BUB1B-related conditions. This variant is not present in population databases (gnomAD no frequency). This sequence change replaces lysine, which is basic and polar, with asparagine, which is neutral and polar, at codon 940 of the BUB1B protein (p.Lys940Asn).